The following is an entry in ClinVar:

NM_000083.3(CLCN1):c.1241T>C (p.Met414Thr)

Gene: CLCN1 (chloride voltage-gated channel 1; plus strand). Cytogenetic location: 7q34.
Variant type: single nucleotide variant.
Coding change: c.1241T>C on transcript NM_000083.3 (MANE Select); coding-DNA position 1241, T replaced by C.
Protein change: p.Met414Thr; replaces methionine 414 with threonine.
Molecular consequence: missense variant. On other transcripts: non-coding transcript variant (1).
Genome position (GRCh38, 1-based): chr7:143,332,493, T>C. VCF-style: chr7-143332493-T-C. GRCh37 (hg19) VCF-style: chr7-143029586-T-C.
Other names: short protein forms M414T.
Identifiers: ClinVar variation 531748 (VCV000531748.7), dbSNP rs368276618, ClinGen allele CA4537284.

ClinVar aggregate classification (germline): Uncertain significance. Review status: criteria provided, multiple submitters, no conflicts (2 of 4 stars). 2 submissions from 2 submitters: Uncertain significance (2). Last evaluated 2023-06-02.

Conditions:
Inborn genetic diseases. Identifiers: MedGen C0950123, MeSH D030342.
Congenital myotonia, autosomal recessive form. Also called: Becker Generalized Myotonia; BECKER DISEASE; myotonia congenita, autosomal recessive. Identifiers: Orphanet 614, MedGen C0751360, MONDO:0009715, OMIM 255700.
Congenital myotonia, autosomal dominant form (THD). Also called: THOMSEN DISEASE; Myotonia congenita autosomal dominant. Identifiers: Orphanet 614, MedGen C2936781, MONDO:0008055, OMIM 160800.

Allele frequency attached by ClinVar (database versions not stated): gnomAD 0.00001; gnomAD exomes 0.00001; ExAC 0.00002.
gnomAD v4.1: 1 of 1,613,798 alleles (0.000062%); highest among the groups gnomAD compares: Admixed American, 0.0017%; no homozygotes.

Submissions (2):

Ambry Genetics
Classification: Uncertain significance for Inborn genetic diseases. Last evaluated: 2023-06-02. Review status: criteria provided, single submitter. Criteria: Ambry Variant Classification Scheme 2023. Collection method: clinical testing. Allele origin: germline.

Labcorp Genetics (formerly Invitae), Labcorp
Classification: Uncertain significance for Congenital myotonia, autosomal recessive form; Congenital myotonia, autosomal dominant form. Last evaluated: 2022-07-26. Review status: criteria provided, single submitter. Criteria: Invitae Variant Classification Sherloc (09022015). Collection method: clinical testing. Allele origin: germline.
Comment: This sequence change replaces methionine, which is neutral and non-polar, with threonine, which is neutral and polar, at codon 414 of the CLCN1 protein (p.Met414Thr). This variant is present in population databases (rs368276618, gnomAD 0.006%). This variant has not been reported in the literature in individuals affected with CLCN1-related conditions. ClinVar contains an entry for this variant (Variation ID: 531748). Advanced modeling of protein sequence and biophysical properties (such as structural, functional, and spatial information, amino acid conservation, physicochemical variation, residue mobility, and thermodynamic stability) performed at Invitae indicates that this missense variant is expected to disrupt CLCN1 protein function. Algorithms developed to predict the effect of sequence changes on RNA splicing suggest that this variant may create or strengthen a splice site. In summary, the available evidence is currently insufficient to determine the role of this variant in disease. Therefore, it has been classified as a Variant of Uncertain Significance.